The following is an entry in ClinVar:

ClinVar aggregate classification (germline): Uncertain significance (1 of 4 stars; one submission).

Conditions:
Cohen syndrome (COH1). Also called: Cutis verticis gyrata, retinitis pigmentosa, and sensorineural deafness; PEPPER SYNDROME. Identifiers: Orphanet 193, MedGen C0265223, MONDO:0008999, OMIM 216550.

Submission:

Labcorp Genetics (formerly Invitae), Labcorp
Classification: Uncertain significance for Cohen syndrome. Last evaluated: 2025-08-12. Review status: criteria provided, single submitter. Criteria: Invitae Variant Classification Sherloc (09022015). Collection method: clinical testing. Allele origin: germline.
Comment: This variant, c.6094_6099del, results in the deletion of 2 amino acid(s) of the VPS13B protein (p.Gln2032_Ile2033del), but otherwise preserves the integrity of the reading frame. This variant is not present in population databases (gnomAD no frequency). This variant has not been reported in the literature in individuals affected with VPS13B-related conditions. Experimental studies and prediction algorithms are not available or were not evaluated, and the functional significance of this variant is currently unknown. In summary, the available evidence is currently insufficient to determine the role of this variant in disease. Therefore, it has been classified as a Variant of Uncertain Significance.

NM_152564.5(VPS13B):c.6019_6024del (p.Gln2007_Ile2008del)

Gene: VPS13B (vacuolar protein sorting 13 homolog B; plus strand). Cytogenetic location: 8q22.2.
Variant type: Deletion.
Coding change: c.6019_6024del on transcript NM_152564.5 (MANE Select); coding-DNA positions 6019 to 6024, 6 bases deleted (CAGATT; older notation c.6019_6024delCAGATT).
Protein change: p.Gln2007_Ile2008del.
Molecular consequence: inframe deletion.
Genome position (GRCh38, 1-based): chr8:99,661,464-99,661,469, CAGATT deleted. VCF-style (leftmost placement, unchanged base first): chr8-99661463-ACAGATT-A. GRCh37 (hg19) VCF-style: chr8-100673691-ACAGATT-A.
Other names: c.6094_6099del, p.Gln2032_Ile2033del (NM_017890.5).
Identifiers: ClinVar variation 4725343 (VCV004725343.1).